The following is an entry in ClinVar:

NM_005219.5(DIAPH1):c.2426A>G (p.Asn809Ser)

Gene: DIAPH1 (diaphanous related formin 1; minus strand). Cytogenetic location: 5q31.3.
Variant type: single nucleotide variant.
Coding change: c.2426A>G on transcript NM_005219.5 (MANE Select); coding-DNA position 2426, A replaced by G.
Protein change: p.Asn809Ser; replaces asparagine 809 with serine.
Molecular consequence: missense variant.
Genome position (GRCh38, 1-based): chr5:141,571,973, T>C on the plus strand (A>G on the coding strand, the complement: DIAPH1 is on the minus strand). VCF-style: chr5-141571973-T-C. GRCh37 (hg19) VCF-style: chr5-140951540-T-C.
Other names: c.2399A>G, p.Asn800Ser (NM_001079812.3); c.2426A>G, p.Asn809Ser (NM_001314007.2); short protein forms N809S, N800S.
Identifiers: ClinVar variation 2937054 (VCV002937054.3), dbSNP rs2099895252, ClinGen allele CA361513189.

ClinVar aggregate classification (germline): Uncertain significance (1 of 4 stars; one submission).

Conditions:
Progressive microcephaly-seizures-cortical blindness-developmental delay syndrome. Also called: Seizures, cortical blindness, and microcephaly syndrome. Identifiers: Orphanet 477814, MedGen C5567650, MONDO:0014714, OMIM 616632.
Autosomal dominant nonsyndromic hearing loss 1. Also called: KONIGSMARK SYNDROME; DEAFNESS, AUTOSOMAL DOMINANT 1, WITH OR WITHOUT THROMBOCYTOPENIA. Identifiers: Orphanet 90635, MedGen C1852282, MONDO:0007424, OMIM 124900.

Allele frequency attached by ClinVar (database versions not stated): gnomAD 0.00001; TOPMed 0.00001.
gnomAD v4.1: 3 of 1,614,062 alleles (0.00019%); highest among the groups gnomAD compares: Admixed American, 0.0033%; no homozygotes.

Submission:

Labcorp Genetics (formerly Invitae), Labcorp
Classification: Uncertain significance for Progressive microcephaly-seizures-cortical blindness-developmental delay syndrome; Autosomal dominant nonsyndromic hearing loss 1. Last evaluated: 2025-03-27. Review status: criteria provided, single submitter. Criteria: Invitae Variant Classification Sherloc (09022015). Collection method: clinical testing. Allele origin: germline.
Comment: This sequence change replaces asparagine, which is neutral and polar, with serine, which is neutral and polar, at codon 809 of the DIAPH1 protein (p.Asn809Ser). This variant is not present in population databases (gnomAD no frequency). This variant has not been reported in the literature in individuals affected with DIAPH1-related conditions. ClinVar contains an entry for this variant (Variation ID: 2937054). An algorithm developed to predict the effect of missense changes on protein structure and function outputs the following: PolyPhen-2: "Benign". The serine amino acid residue is found in multiple mammalian species, which suggests that this missense change does not adversely affect protein function. In summary, the available evidence is currently insufficient to determine the role of this variant in disease. Therefore, it has been classified as a Variant of Uncertain Significance.